The following is an entry in ClinVar:

NM_145239.3(PRRT2):c.324_325del (p.Ser110fs)

Genes: MVP-DT (MVP divergent transcript; minus strand), PRRT2 (proline rich transmembrane protein 2; plus strand). Cytogenetic location: 16p11.2.
Variant type: Deletion.
Coding change: c.324_325del on transcript NM_145239.3 (MANE Select); coding-DNA positions 324 to 325, 2 bases deleted (AG; older notation c.324_325delAG).
Protein change: p.Ser110fs; shifts the reading frame from serine 110.
Molecular consequence: frameshift variant.
Genome position (GRCh38, 1-based): chr16:29,813,378-29,813,379, AG deleted. VCF-style (leftmost placement, unchanged base first): chr16-29813377-CAG-C. GRCh37 (hg19) VCF-style: chr16-29824698-CAG-C.
Other names: c.324_325del, p.Ser110fs (NM_001256442.2, NM_001256443.2); c.324_325del (NM_145239.2); short protein forms S110fs.
Identifiers: ClinVar variation 280888 (VCV000280888.12), dbSNP rs886042013, ClinGen allele CA10603263.
Genomic context (GRCh38, chr16:29,813,377, plus strand): 5'-GCTTAAGCCCAGGAGGGGAATCAAAGGCCAACTGCAGCCCCGAAGACCCATGCCAAGAAA[CAG>C]TGTCCAAACCAGAAGTGAGCAAAGAGGCCACTGCAGACCAGGGGTCCAGGCTGGAGTCTG-3'

ClinVar aggregate classification (germline): Pathogenic. Review status: criteria provided, multiple submitters, no conflicts (2 of 4 stars). 3 submissions from 3 submitters: Pathogenic (3). Last evaluated 2022-05-04.

Conditions:
Episodic kinesigenic dyskinesia (EKD). Also called: Paroxysmal kinesigenic dyskinesia. Identifiers: Orphanet 98809, MedGen C1868682, MONDO:0044202.
Episodic kinesigenic dyskinesia 1 (EKD1). Also called: DYSTONIA, FAMILIAL PAROXYSMAL; PxMD-PRRT2; PAROXYSMAL KINESIGENIC CHOREOATHETOSIS; Dystonia 10; PRRT2-Related Paroxysmal Kinesigenic Dyskinesia (PKD). Identifiers: Orphanet 98809, MedGen C4552000, MONDO:0100352, OMIM 128200, MONDO:0007494.

Allele frequency attached by ClinVar (database versions not stated): TOPMed below 0.00001; gnomAD 0.00001.

Submissions (3):

Mendelics
Classification: Pathogenic for Episodic kinesigenic dyskinesia 1. Last evaluated: 2022-05-04. Review status: criteria provided, single submitter. Criteria: Mendelics Assertion Criteria 2019. Collection method: clinical testing. Allele origin: germline.

Labcorp Genetics (formerly Invitae), Labcorp
Classification: Pathogenic for Episodic kinesigenic dyskinesia. Last evaluated: 2021-03-16. Review status: criteria provided, single submitter. Criteria: Invitae Variant Classification Sherloc (09022015). Collection method: clinical testing. Allele origin: germline.
Comment: This sequence change creates a premature translational stop signal (p.Ser110Glnfs*23) in the PRRT2 gene. It is expected to result in an absent or disrupted protein product. This variant is not present in population databases (ExAC no frequency). This variant has not been reported in the literature in individuals with PRRT2-related conditions. ClinVar contains an entry for this variant (Variation ID: 280888). Loss-of-function variants in PRRT2 are known to be pathogenic (PMID: 22623405, 22744660). For these reasons, this variant has been classified as Pathogenic.

GeneDx
Classification: Pathogenic. Last evaluated: 2016-09-23. Review status: criteria provided, single submitter. Criteria: GeneDx Variant Classification (06012015). Collection method: clinical testing. Allele origin: germline. Affected: yes.
Comment: The c.324_325delAG pathogenic variant in the PRRT2 gene causes a frameshift starting with codon Serine 110, changes this amino acid to a Glutamine residue and creates a premature Stop codon at position 23 of the new reading frame, denoted p.Ser110GlnfsX23. This variant is predicted to cause loss of normal protein function either through protein truncation or nonsense-mediated mRNA decay. Furthermore, it was not observed in approximately 6,500 individuals of European and African American ancestry in the NHLBI Exome Sequencing Project, indicating it is not a common benign variant in these populations.

Literature cited by the submitters: PubMed 22623405 (cited by Labcorp Genetics (formerly Invitae), Labcorp); PubMed 22744660 (cited by Labcorp Genetics (formerly Invitae), Labcorp).